The following is an entry in ClinVar:

ClinVar aggregate classification (germline): Uncertain significance (1 of 4 stars; one submission).

Submission:

Women's Health and Genetics/Laboratory Corporation of America, LabCorp
Classification: Uncertain significance. Last evaluated: 2024-02-07. Review status: criteria provided, single submitter. Criteria: LabCorp Variant Classification Summary - May 2015. Collection method: clinical testing. Allele origin: germline.
Comment: Variant summary: CACNA1S c.527T>G (p.Val176Gly) results in a non-conservative amino acid change located in the Ion transport domain (IPR005821) of the encoded protein sequence. Five of five in-silico tools predict a damaging effect of the variant on protein function. The variant was absent in 251328 control chromosomes. The available data on variant occurrences in the general population are insufficient to allow any conclusion about variant significance. To our knowledge, no occurrence of c.527T>G in individuals affected with Hypokalemic Periodic Paralysis and no experimental evidence demonstrating its impact on protein function have been reported. No submitters have cited clinical-significance assessments for this variant to ClinVar. Based on the evidence outlined above, the variant was classified as uncertain significance.

NM_000069.3(CACNA1S):c.527T>G (p.Val176Gly)

Gene: CACNA1S (calcium voltage-gated channel subunit alpha1 S; minus strand). Cytogenetic location: 1q32.1.
Variant type: single nucleotide variant.
Coding change: c.527T>G on transcript NM_000069.3 (MANE Select); coding-DNA position 527, T replaced by G.
Protein change: p.Val176Gly; replaces valine 176 with glycine.
Molecular consequence: missense variant.
Genome position (GRCh38, 1-based): chr1:201,091,986, A>C on the plus strand (T>G on the coding strand, the complement: CACNA1S is on the minus strand). VCF-style: chr1-201091986-A-C. GRCh37 (hg19) VCF-style: chr1-201061114-A-C.
Other names: short protein forms V176G.
Identifiers: ClinVar variation 3069018 (VCV003069018.2), dbSNP rs2464625232, ClinGen allele CA344141487.